The following is an entry in ClinVar:

NM_007294.4(BRCA1):c.3857G>T (p.Ser1286Ile)

Genes: BRCA1 (BRCA1 DNA repair associated; minus strand), LOC126862571 (BRD4-independent group 4 enhancer GRCh37_chr17:41243136-41244335; plus strand). Cytogenetic location: 17q21.31.
Variant type: single nucleotide variant.
Coding change: c.3857G>T on transcript NM_007294.4 (MANE Select); coding-DNA position 3857, G replaced by T.
Protein change: p.Ser1286Ile; replaces serine 1286 with isoleucine.
Molecular consequence: missense variant. On other transcripts: intron variant (135).
Genome position (GRCh38, 1-based): chr17:43,091,674, C>A on the plus strand (G>T on the coding strand, the complement: BRCA1 is on the minus strand). VCF-style: chr17-43091674-C-A. GRCh37 (hg19) VCF-style: chr17-41243691-C-A.
Other names: c.578-642G>T (NM_001408482.1, NM_001408478.1, NM_001408484.1 and 9 more transcripts); c.3644G>T, p.Ser1215Ile (NM_001407918.1, NM_001407571.1, NM_001407853.1 and 9 more transcripts); c.3734G>T, p.Ser1245Ile (NM_001407919.1, NM_001407648.1, NM_001407664.1 and 19 more transcripts); c.3593G>T, p.Ser1198Ile (NM_001407920.1, NM_001407921.1, NM_001407922.1 and 9 more transcripts); c.521-642G>T (NM_001408504.1, NM_001408505.1, NM_001408503.1); c.644-642G>T (NM_001408463.1, NM_001408465.1, NM_001408462.1 and 3 more transcripts); c.524-642G>T (NM_001408499.1, NM_001408496.1, NM_001408498.1 and 3 more transcripts); c.671-642G>T (NM_001408422.1, NM_001408419.1, NM_001408418.1 and 2 more transcripts); and 41 more; short protein forms S1286I, S1239I, S1118I, S1158I, S1175I, S1259I, S1260I, S1283I.
Identifiers: ClinVar variation 925337 (VCV000925337.17), dbSNP rs142383077, ClinGen allele CA10594248.

ClinVar aggregate classification (germline): Conflicting classifications of pathogenicity. Review status: criteria provided, conflicting classifications (1 of 4 stars). 5 submissions from 5 submitters: Uncertain significance (4); Likely benign (1). Last evaluated 2024-09-25.

Conditions:
Hereditary cancer-predisposing syndrome. Also called: Neoplastic Syndromes, Hereditary; Tumor predisposition; Hereditary Cancer Syndrome; Hereditary neoplastic syndrome. Identifiers: Orphanet 140162, MedGen C0027672, MeSH D009386, MONDO:0015356.
Fanconi anemia, complementation group S (FANCS). Identifiers: MedGen C4554406, MONDO:0054748, OMIM 617883.
Hereditary breast ovarian cancer syndrome. Also called: Hereditary breast and ovarian cancer syndrome; BRCA1- and BRCA2-Associated Hereditary Breast and Ovarian Cancer; Hereditary breast and ovarian cancer; Hereditary breast and ovarian cancer syndrome (HBOC); Breast and ovarian cancer; Hereditary breast and/or ovarian cancer syndrome. Identifiers: Orphanet 145, MedGen C0677776, MeSH D061325, MONDO:0003582. Disease mechanism: loss of function.

gnomAD v4.1: 6 of 1,614,228 alleles (0.00037%); highest among the groups gnomAD compares: Non-Finnish European, 0.00051%; no homozygotes.

Submissions (5):

Department of Pathology and Laboratory Medicine, Sinai Health System
Classification: Uncertain significance for Fanconi anemia, complementation group S. Last evaluated: 2024-09-25. Review status: criteria provided, single submitter. Criteria: ACMG Guidelines, 2015. Collection method: clinical testing. Allele origin: germline.

Labcorp Genetics (formerly Invitae), Labcorp
Classification: Uncertain significance for Hereditary breast ovarian cancer syndrome. Last evaluated: 2024-04-23. Review status: criteria provided, single submitter. Criteria: Invitae Variant Classification Sherloc (09022015). Collection method: clinical testing. Allele origin: germline.
Comment: This sequence change replaces serine, which is neutral and polar, with isoleucine, which is neutral and non-polar, at codon 1286 of the BRCA1 protein (p.Ser1286Ile). This variant is not present in population databases (gnomAD no frequency). This variant has not been reported in the literature in individuals affected with BRCA1-related conditions. ClinVar contains an entry for this variant (Variation ID: 925337). Advanced modeling of protein sequence and biophysical properties (such as structural, functional, and spatial information, amino acid conservation, physicochemical variation, residue mobility, and thermodynamic stability) performed at Invitae indicates that this missense variant is not expected to disrupt BRCA1 protein function with a negative predictive value of 95%. In summary, the available evidence is currently insufficient to determine the role of this variant in disease. Therefore, it has been classified as a Variant of Uncertain Significance.

University of Washington Department of Laboratory Medicine, University of Washington
Classification: Likely benign for Hereditary cancer-predisposing syndrome. Last evaluated: 2023-03-23. Review status: criteria provided, single submitter. Criteria: Dines et al. (Genet Med. 2020). Collection method: curation. Allele origin: germline.
Comment: Missense variant in a coldspot region where missense variants are very unlikely to be pathogenic (PMID:31911673).

BRCA1 coldspot (exon 11 using historical exon numbering). Reclassification based on statistical prior probability

Ambry Genetics
Classification: Uncertain significance for Hereditary cancer-predisposing syndrome. Last evaluated: 2022-11-14. Review status: criteria provided, single submitter. Criteria: Ambry Variant Classification Scheme 2023. Collection method: clinical testing. Allele origin: germline.
Comment: The p.S1286I variant (also known as c.3857G>T), located in coding exon 9 of the BRCA1 gene, results from a G to T substitution at nucleotide position 3857. The serine at codon 1286 is replaced by isoleucine, an amino acid with dissimilar properties. This amino acid position is well conserved in available vertebrate species. In addition, the in silico prediction for this alteration is inconclusive. Since supporting evidence is limited at this time, the clinical significance of this alteration remains unclear.

Color Diagnostics, LLC DBA Color Health
Classification: Uncertain significance for Hereditary cancer-predisposing syndrome. Last evaluated: 2019-01-10. Review status: criteria provided, single submitter. Criteria: ACMG Guidelines, 2015. Collection method: clinical testing. Allele origin: germline.